The following is an entry in ClinVar:

ClinVar aggregate classification (germline): Uncertain significance (1 of 4 stars; one submission).

Conditions:
Hereditary nonpolyposis colorectal neoplasms. Identifiers: MedGen C0009405, MeSH D003123.

Allele frequency attached by ClinVar (database versions not stated): gnomAD exomes below 0.00001.
gnomAD v4.1: 1 of 1,586,914 alleles (0.000063%); highest among the groups gnomAD compares: Non-Finnish European, 0.000086%; no homozygotes.

Submission:

Labcorp Genetics (formerly Invitae), Labcorp
Classification: Uncertain significance for Hereditary nonpolyposis colorectal neoplasms. Last evaluated: 2017-03-20. Review status: criteria provided, single submitter. Criteria: Invitae Variant Classification Sherloc (09022015). Collection method: clinical testing. Allele origin: germline.
Comment: In summary, this variant is a novel missense change with uncertain impact on protein function. It has been classified as a Variant of Uncertain Significance. Algorithms developed to predict the effect of missense changes on protein structure and function (SIFT, PolyPhen-2, Align-GVGD) all suggest that this variant is likely to be disruptive, but these predictions have not been confirmed by published functional studies. This variant is absent in the population databases (ExAC) and has not been reported in the literature in individuals with a PMS2-related disease. However, the frequency data is considered unreliable due to the presence of a pseudogene that has strong homology to this region. This sequence change replaces glycine with glutamic acid at codon 685 of the PMS2 protein (p.Gly685Glu). The glycine residue is highly conserved and there is a moderate physicochemical difference between glycine and glutamic acid.

NM_000535.7(PMS2):c.2054G>A (p.Gly685Glu)

Gene: PMS2 (PMS1 homolog 2, mismatch repair system component; minus strand). Cytogenetic location: 7p22.1.
Variant type: single nucleotide variant.
Coding change: c.2054G>A on transcript NM_000535.7 (MANE Select); coding-DNA position 2054, G replaced by A.
Protein change: p.Gly685Glu; replaces glycine 685 with glutamic acid.
Molecular consequence: missense variant. On other transcripts: non-coding transcript variant (1).
Genome position (GRCh38, 1-based): chr7:5,982,944, C>T on the plus strand (G>A on the coding strand, the complement: PMS2 is on the minus strand). VCF-style: chr7-5982944-C-T. GRCh37 (hg19) VCF-style: chr7-6022575-C-T.
Other names: c.1649G>A, p.Gly550Glu (NM_001322005.2, NM_001322009.2, NM_001322003.2 and 1 more transcripts); c.1898G>A, p.Gly633Glu (NM_001322006.2); c.1736G>A, p.Gly579Glu (NM_001322007.2, NM_001322008.2); c.1493G>A, p.Gly498Glu (NM_001322010.2); c.1121G>A, p.Gly374Glu (NM_001322011.2, NM_001322012.2); c.1481G>A, p.Gly494Glu (NM_001322013.2); c.2054G>A, p.Gly685Glu (NM_001322014.2); c.1745G>A, p.Gly582Glu (NM_001322015.2); short protein forms G685E, G374E, G498E, G550E, G633E, G494E, G579E, G582E.
Identifiers: ClinVar variation 455683 (VCV000455683.8), dbSNP rs1554295923, ClinGen allele CA366738097.